The following is an entry in ClinVar:

NM_020822.3(KCNT1):c.3679C>G (p.Pro1227Ala)

Gene: KCNT1 (potassium sodium-activated channel subfamily T member 1; plus strand). Cytogenetic location: 9q34.3.
Variant type: single nucleotide variant.
Coding change: c.3679C>G on transcript NM_020822.3 (MANE Select); coding-DNA position 3679, C replaced by G.
Protein change: p.Pro1227Ala; replaces proline 1227 with alanine.
Molecular consequence: missense variant.
Genome position (GRCh38, 1-based): chr9:135,792,132, C>G. VCF-style: chr9-135792132-C-G. GRCh37 (hg19) VCF-style: chr9-138683978-C-G.
Other names: c.3607C>G, p.Pro1203Ala (NM_001272003.2); short protein forms P1203A, P1227A.
Identifiers: ClinVar variation 2173414 (VCV002173414.5), dbSNP rs779262121, ClinGen allele CA375494512.
Genomic context (GRCh38, chr9:135,792,132, plus strand): 5'-GTGGCCAGCAGCTCCCAGAGCCGGAAGAGCAGCTGCAGCCACAAGCTGTCGTCCTGCAAC[C>G]CCGAGACTCGCGACGAGACACAGCTCTGAGCCAGCCCTGCACGGAGCTCAGGCCACCAAG-3'
Protein context (NP_065873.2, residues 1217-1235): SCSHKLSSCN[Pro1227Ala]ETRDETQL

ClinVar aggregate classification (germline): Uncertain significance. Review status: criteria provided, multiple submitters, no conflicts (2 of 4 stars). 2 submissions from 2 submitters: Uncertain significance (2). Last evaluated 2023-12-20.

Conditions:
Autosomal dominant nocturnal frontal lobe epilepsy 5. Also called: CILIARY DYSKINESIA, PRIMARY, 28, WITHOUT SITUS INVERSUS; CILIARY DYSKINESIA, PRIMARY, 28, WITH SITUS INVERSUS; Epilepsy, nocturnal frontal lobe, 5; KCNT1-Related Epilepsy. Identifiers: Orphanet 98784, MedGen C3554306, MONDO:0014002, OMIM 615005.
Developmental and epileptic encephalopathy, 14 (DEE14). Also called: Early infantile epileptic encephalopathy 14. Identifiers: Orphanet 293181, MedGen C3554195, MONDO:0013989, OMIM 614959.

Submissions (2):

Women's Health and Genetics/Laboratory Corporation of America, LabCorp
Classification: Uncertain significance. Last evaluated: 2023-12-20. Review status: criteria provided, single submitter. Criteria: LabCorp Variant Classification Summary - May 2015. Collection method: clinical testing. Allele origin: germline.
Comment: Variant summary: KCNT1 c.3679C>G (p.Pro1227Ala) results in a non-conservative amino acid change in the encoded protein sequence. Three of five in-silico tools predict a benign effect of the variant on protein function. The variant was absent in 241640 control chromosomes (gnomAD). The available data on variant occurrences in the general population are insufficient to allow any conclusion about variant significance. To our knowledge, no occurrence of c.3679C>G in individuals affected with Developmental And Epileptic Encephalopathy, 14 and no experimental evidence demonstrating its impact on protein function have been reported. One submitter has reported clinical-significance assessments for this variant to ClinVar after 2014 and has classified the variant as uncertain significance. Based on the evidence outlined above, the variant was classified as uncertain significance.

Labcorp Genetics (formerly Invitae), Labcorp
Classification: Uncertain significance for Autosomal dominant nocturnal frontal lobe epilepsy 5; Developmental and epileptic encephalopathy, 14. Last evaluated: 2022-07-14. Review status: criteria provided, single submitter. Criteria: Invitae Variant Classification Sherloc (09022015). Collection method: clinical testing. Allele origin: germline.
Comment: This variant is not present in population databases (gnomAD no frequency). This sequence change replaces proline, which is neutral and non-polar, with alanine, which is neutral and non-polar, at codon 1227 of the KCNT1 protein (p.Pro1227Ala). This variant has not been reported in the literature in individuals affected with KCNT1-related conditions. In summary, the available evidence is currently insufficient to determine the role of this variant in disease. Therefore, it has been classified as a Variant of Uncertain Significance. Advanced modeling of protein sequence and biophysical properties (such as structural, functional, and spatial information, amino acid conservation, physicochemical variation, residue mobility, and thermodynamic stability) performed at Invitae indicates that this missense variant is not expected to disrupt KCNT1 protein function.